The following is an entry in ClinVar:

NM_000136.3(FANCC):c.857G>A (p.Cys286Tyr)

Genes: AOPEP (aminopeptidase O (putative); plus strand), FANCC (FA complementation group C; minus strand). Cytogenetic location: 9q22.32.
Variant type: single nucleotide variant.
Coding change: c.857G>A on transcript NM_000136.3 (MANE Select); coding-DNA position 857, G replaced by A.
Protein change: p.Cys286Tyr; replaces cysteine 286 with tyrosine.
Molecular consequence: missense variant.
Genome position (GRCh38, 1-based): chr9:95,126,568, C>T on the plus strand (G>A on the coding strand, the complement: FANCC is on the minus strand). VCF-style: chr9-95126568-C-T. GRCh37 (hg19) VCF-style: chr9-97888850-C-T.
Other names: c.857G>A, p.Cys286Tyr (NM_001243743.2, NM_001243744.2); short protein forms C286Y.
Identifiers: ClinVar variation 2713529 (VCV002713529.3), dbSNP rs2541176924, ClinGen allele CA374109129.

ClinVar aggregate classification (germline): Uncertain significance (1 of 4 stars; one submission).

Conditions:
Fanconi anemia (FA). Also called: Fanconi's anemia. Identifiers: Orphanet 84, MedGen C0015625, MeSH D005199, MONDO:0019391.

gnomAD v4.1: 2 of 1,614,038 alleles (0.00012%); highest among the groups gnomAD compares: Non-Finnish European, 0.00017%; no homozygotes.

Submission:

Labcorp Genetics (formerly Invitae), Labcorp
Classification: Uncertain significance for Fanconi anemia. Last evaluated: 2023-11-17. Review status: criteria provided, single submitter. Criteria: Invitae Variant Classification Sherloc (09022015). Collection method: clinical testing. Allele origin: germline.
Comment: This sequence change replaces cysteine, which is neutral and slightly polar, with tyrosine, which is neutral and polar, at codon 286 of the FANCC protein (p.Cys286Tyr). This variant is not present in population databases (gnomAD no frequency). This variant has not been reported in the literature in individuals affected with FANCC-related conditions. Advanced modeling of protein sequence and biophysical properties (such as structural, functional, and spatial information, amino acid conservation, physicochemical variation, residue mobility, and thermodynamic stability) has been performed at Invitae for this missense variant, however the output from this modeling did not meet the statistical confidence thresholds required to predict the impact of this variant on FANCC protein function. In summary, the available evidence is currently insufficient to determine the role of this variant in disease. Therefore, it has been classified as a Variant of Uncertain Significance.